The following is an entry in ClinVar:

ClinVar aggregate classification (germline): Uncertain significance (1 of 4 stars; one submission).

Submission:

GeneDx
Classification: Uncertain significance. Last evaluated: 2026-03-17. Review status: criteria provided, single submitter. Criteria: GeneDx Variant Classification Process June 2021. Collection method: clinical testing. Allele origin: germline.
Comment: Not observed at significant frequency in large population cohorts (gnomAD); In silico analysis supports that this missense variant has a deleterious effect on protein structure/function; Has not been previously published as pathogenic or benign to our knowledge

NM_001145358.2(SIN3A):c.149C>T (p.Ser50Leu)

Gene: SIN3A (SIN3 transcription regulator family member A; minus strand). Cytogenetic location: 15q24.2.
Variant type: single nucleotide variant.
Coding change: c.149C>T on transcript NM_001145358.2 (MANE Select); coding-DNA position 149, C replaced by T.
Protein change: p.Ser50Leu; replaces serine 50 with leucine.
Molecular consequence: missense variant.
Genome position (GRCh38, 1-based): chr15:75,430,227, G>A on the plus strand (C>T on the coding strand, the complement: SIN3A is on the minus strand). VCF-style: chr15-75430227-G-A. GRCh37 (hg19) VCF-style: chr15-75722568-G-A.
Other names: c.149C>T, p.Ser50Leu (NM_001145357.2, NM_001437462.1, NM_001437463.1 and 1 more transcripts); short protein forms S50L.
Identifiers: ClinVar variation 5016963 (VCV005016963.1).